The following is an entry in ClinVar:

NM_014141.6(CNTNAP2):c.3693dup (p.His1232fs)

Gene: CNTNAP2 (contactin associated protein 2; plus strand). Cytogenetic location: 7q36.1.
Variant type: Duplication.
Coding change: c.3693dup on transcript NM_014141.6 (MANE Select); coding-DNA position 3693, one base duplicated (G; older notation c.3693dupG).
Protein change: p.His1232fs; shifts the reading frame from histidine 1232.
Molecular consequence: frameshift variant.
Genome position (GRCh38, 1-based): chr7:148,383,866, G duplicated; the last of 2 consecutive G bases (chr7:148,383,865-148,383,866); duplicating either gives the same sequence. VCF-style (leftmost placement, unchanged base first): chr7-148383864-T-TG. GRCh37 (hg19) VCF-style: chr7-148080956-T-TG.
Other names: short protein forms H1232fs.
Identifiers: ClinVar variation 2770914 (VCV002770914.3), dbSNP rs2485692231, ClinGen allele CA2697557655.
Genomic context (GRCh38, chr7:148,383,864, plus strand): 5'-GAGTCCAACTGCGGGGCCTCGCCGCTGACCCTCTCCCCCATGTCGTCCGCCACCGACCCC[T>TG]GGCACCTGGATCACCTGGATTCAGGTAAAGTCTTCAGCAACCTCAGGCAGGTTGCTTCAT-3'

ClinVar aggregate classification (germline): Pathogenic (1 of 4 stars; one submission).

Conditions:
Cortical dysplasia-focal epilepsy syndrome (PTHSL1). Also called: Pitt-Hopkins-like syndrome 1. Identifiers: Orphanet 163681, Orphanet 221150, MedGen C2750246, MONDO:0012400, OMIM 610042.

Submission:

Labcorp Genetics (formerly Invitae), Labcorp
Classification: Pathogenic for Cortical dysplasia-focal epilepsy syndrome. Last evaluated: 2024-02-11. Review status: criteria provided, single submitter. Criteria: Invitae Variant Classification Sherloc (09022015). Collection method: clinical testing. Allele origin: germline.
Comment: This sequence change creates a premature translational stop signal (p.His1232Alafs*15) in the CNTNAP2 gene. It is expected to result in an absent or disrupted protein product. Loss-of-function variants in CNTNAP2 are known to be pathogenic (PMID: 19896112, 21827697, 25045150, 26843181, 27439707). This variant is not present in population databases (gnomAD no frequency). This variant has not been reported in the literature in individuals affected with CNTNAP2-related conditions. For these reasons, this variant has been classified as Pathogenic.

Literature cited by the submitters: PubMed 19896112; PubMed 21827697; PubMed 25045150; PubMed 26843181; PubMed 27439707.